The following is an entry in ClinVar:

NM_005883.3(APC2):c.2968G>A (p.Val990Met)

Gene: APC2 (APC regulator of WNT signaling pathway 2; plus strand). Cytogenetic location: 19p13.3.
Variant type: single nucleotide variant.
Coding change: c.2968G>A on transcript NM_005883.3 (MANE Select); coding-DNA position 2968, G replaced by A.
Protein change: p.Val990Met; replaces valine 990 with methionine.
Molecular consequence: missense variant.
Genome position (GRCh38, 1-based): chr19:1,466,269, G>A. VCF-style: chr19-1466269-G-A. GRCh37 (hg19) VCF-style: chr19-1466268-G-A.
Other names: c.2965G>A, p.Val989Met (NM_001351273.1); short protein forms V989M, V990M.
Identifiers: ClinVar variation 2442552 (VCV002442552.1), dbSNP rs755330785, ClinGen allele CA9045591.
Genomic context (GRCh38, chr19:1,466,269, plus strand): 5'-GACCTGCCCGGCTGCCAGGCCGAGCCCCCGGCCCGCGAGGCCACCTCCGCCGACGCCCGC[G>A]TGCGCACCATCAAGCTGTCGCCTACCTATCAGCACGTGCCACTGCTTGAGGGTGCCTCAA-3'
Protein context (NP_005874.1, residues 980-1000): AREATSADAR[Val990Met]RTIKLSPTYQ

ClinVar aggregate classification (germline): Uncertain significance (1 of 4 stars; one submission).

Allele frequency attached by ClinVar (database versions not stated): ExAC 0.00004.
gnomAD v4.1: 1 of 1,531,546 alleles (0.000065%); highest among the groups gnomAD compares: Non-Finnish European, 0.000087%; no homozygotes.

Submission:

GeneDx
Classification: Uncertain significance. Last evaluated: 2022-08-30. Review status: criteria provided, single submitter. Criteria: GeneDx Variant Classification Process June 2021. Collection method: clinical testing. Allele origin: germline. Affected: yes.
Comment: Not observed at significant frequency in large population cohorts (gnomAD); In silico analysis supports that this missense variant does not alter protein structure/function; Has not been previously published as pathogenic or benign to our knowledge